The following is an entry in ClinVar:

ClinVar aggregate classification (germline): Uncertain significance (1 of 4 stars; one submission).

Allele frequency attached by ClinVar (database versions not stated): gnomAD 0.00001.
gnomAD v4.1: 18 of 1,614,074 alleles (0.0011%); highest among the groups gnomAD compares: Non-Finnish European, 0.0014%; no homozygotes.

Submission:

Labcorp Genetics (formerly Invitae), Labcorp
Classification: Uncertain significance. Last evaluated: 2024-02-24. Review status: criteria provided, single submitter. Criteria: Invitae Variant Classification Sherloc (09022015). Collection method: clinical testing. Allele origin: germline.
Comment: This sequence change replaces valine, which is neutral and non-polar, with methionine, which is neutral and non-polar, at codon 660 of the ABCA1 protein (p.Val660Met). This variant is present in population databases (rs762093692, gnomAD 0.002%). This variant has not been reported in the literature in individuals affected with ABCA1-related conditions. ClinVar contains an entry for this variant (Variation ID: 2173060). Advanced modeling of protein sequence and biophysical properties (such as structural, functional, and spatial information, amino acid conservation, physicochemical variation, residue mobility, and thermodynamic stability) performed at Invitae indicates that this missense variant is expected to disrupt ABCA1 protein function with a positive predictive value of 80%. In summary, the available evidence is currently insufficient to determine the role of this variant in disease. Therefore, it has been classified as a Variant of Uncertain Significance.

NM_005502.4(ABCA1):c.1978G>A (p.Val660Met)

Gene: ABCA1 (ATP binding cassette subfamily A member 1; minus strand). Cytogenetic location: 9q31.1.
Variant type: single nucleotide variant.
Coding change: c.1978G>A on transcript NM_005502.4 (MANE Select); coding-DNA position 1978, G replaced by A.
Protein change: p.Val660Met; replaces valine 660 with methionine.
Molecular consequence: missense variant.
Genome position (GRCh38, 1-based): chr9:104,829,053, C>T on the plus strand (G>A on the coding strand, the complement: ABCA1 is on the minus strand). VCF-style: chr9-104829053-C-T. GRCh37 (hg19) VCF-style: chr9-107591334-C-T.
Other names: short protein forms V660M.
Identifiers: ClinVar variation 2173060 (VCV002173060.4), dbSNP rs762093692, ClinGen allele CA5168849.